The following is an entry in ClinVar:

ClinVar aggregate classification (germline): Uncertain significance (1 of 4 stars; one submission).

Conditions:
Neuropathy, hereditary sensory and autonomic, type 2A (HSAN2A). Also called: WNK1-Related HSAN2 (HSAN2A); MORVAN DISEASE; NEUROPATHY, CONGENITAL SENSORY; NEUROPATHY, HEREDITARY SENSORY RADICULAR, AUTOSOMAL RECESSIVE; NEUROPATHY, HEREDITARY SENSORY, TYPE IIA; NEUROPATHY, PROGRESSIVE SENSORY, OF CHILDREN. Identifiers: Orphanet 970, MedGen C2752089, MONDO:0024309, OMIM 201300.
Generalized epilepsy with febrile seizures plus, type 7 (GEFSP7). Also called: GEFS+, TYPE 7. Identifiers: Orphanet 36387, MedGen C2751778, MONDO:0013470, OMIM 613863.

Submission:

Labcorp Genetics (formerly Invitae), Labcorp
Classification: Uncertain significance for Neuropathy, hereditary sensory and autonomic, type 2A; Generalized epilepsy with febrile seizures plus, type 7. Last evaluated: 2025-11-10. Review status: criteria provided, single submitter. Criteria: Invitae Variant Classification Sherloc (09022015). Collection method: clinical testing. Allele origin: germline.
Comment: This sequence change replaces arginine, which is basic and polar, with glutamine, which is neutral and polar, at codon 1150 of the SCN9A protein (p.Arg1150Gln). This variant is present in population databases (no rsID available, gnomAD 0.01%). This variant has not been reported in the literature in individuals affected with SCN9A-related conditions. ClinVar contains an entry for this variant (Variation ID: 1385370). An algorithm developed to predict the effect of missense changes on protein structure and function outputs the following: PolyPhen-2: "Not Available". The glutamine amino acid residue is found in multiple mammalian species, which suggests that this missense change does not adversely affect protein function. In summary, the available evidence is currently insufficient to determine the role of this variant in disease. Therefore, it has been classified as a Variant of Uncertain Significance.

NM_001365536.1(SCN9A):c.3481_3482inv (p.Trp1161Gln)

Genes: SCN9A (sodium voltage-gated channel alpha subunit 9; minus strand), SCN1A-AS1 (SCN1A and SCN9A antisense RNA 1; plus strand). Cytogenetic location: 2q24.3.
Variant type: Inversion.
Coding change: c.3481_3482inv on transcript NM_001365536.1 (MANE Select).
Protein change: p.Trp1161Gln; replaces tryptophan 1161 with glutamine.
Molecular consequence: missense variant. On other transcripts: synonymous variant (1).
Genome position: GRCh38 VCF-style: chr2-166242647-CA-TG. GRCh37 (hg19) VCF-style: chr2-167099157-CA-TG.
Other names: c.3449G>A, p.Arg1150Gln (NM_002977.3); c.3448_3449invCG, p.Arg1150= (NM_002977.2); short protein forms R1150Q, W1161Q.
Identifiers: ClinVar variation 1385370 (VCV001385370.4), ClinGen allele CA2573133533.